The following is an entry in ClinVar:

ClinVar aggregate classification (germline): Uncertain significance. Review status: criteria provided, multiple submitters, no conflicts (2 of 4 stars). 6 submissions from 6 submitters: Uncertain significance (6). Last evaluated 2025-11-26.

Conditions:
Congenital heart defects, multiple types, 2 (CHTD2). Also called: Congenital heart defects, nonsyndromic, 2. Identifiers: Orphanet 664401, MedGen C3554279, MONDO:0014000, OMIM 614980.
Inborn genetic diseases. Identifiers: MedGen C0950123, MeSH D030342.

Allele frequency attached by ClinVar (database versions not stated): gnomAD 0.00001; ExAC 0.00002; gnomAD exomes 0.00002.
gnomAD v4.1: 47 of 1,613,944 alleles (0.0029%); highest among the groups gnomAD compares: Non-Finnish European, 0.0036%; no homozygotes.

Submissions (6):

Ambry Genetics
Classification: Uncertain significance for Inborn genetic diseases. Last evaluated: 2025-11-26. Review status: criteria provided, single submitter. Criteria: Ambry Variant Classification Scheme 2023. Collection method: clinical testing. Allele origin: germline.

Labcorp Genetics (formerly Invitae), Labcorp
Classification: Uncertain significance. Last evaluated: 2025-04-17. Review status: criteria provided, single submitter. Criteria: Invitae Variant Classification Sherloc (09022015). Collection method: clinical testing. Allele origin: germline.
Comment: This sequence change replaces arginine, which is basic and polar, with histidine, which is basic and polar, at codon 342 of the TAB2 protein (p.Arg342His). This variant is present in population databases (rs750390016, gnomAD 0.004%). This variant has not been reported in the literature in individuals affected with TAB2-related conditions. ClinVar contains an entry for this variant (Variation ID: 1695798). Invitae Evidence Modeling of protein sequence and biophysical properties (such as structural, functional, and spatial information, amino acid conservation, physicochemical variation, residue mobility, and thermodynamic stability) indicates that this missense variant is not expected to disrupt TAB2 protein function with a negative predictive value of 80%. In summary, the available evidence is currently insufficient to determine the role of this variant in disease. Therefore, it has been classified as a Variant of Uncertain Significance.

GeneDx
Classification: Uncertain significance. Last evaluated: 2025-03-13. Review status: criteria provided, single submitter. Criteria: GeneDx Variant Classification Process June 2021. Collection method: clinical testing. Allele origin: germline. Affected: yes.
Comment: Has not been previously published as pathogenic or benign to our knowledge; In silico analysis indicates that this missense variant does not alter protein structure/function

Women's Health and Genetics/Laboratory Corporation of America, LabCorp
Classification: Uncertain significance. Last evaluated: 2024-08-16. Review status: criteria provided, single submitter. Criteria: LabCorp Variant Classification Summary - May 2015. Collection method: clinical testing. Allele origin: germline.
Comment: Variant summary: TAB2 c.1025G>A (p.Arg342His) results in a non-conservative amino acid change in the encoded protein sequence. Three of five in-silico tools predict a damaging effect of the variant on protein function. The variant allele was found at a frequency of 2.9e-05 in 1613944 control chromosomes. This frequency is not significantly higher than estimated for a pathogenic variant in TAB2 causing Congenital Heart Defects, Multiple Types, 2, allowing no conclusion about variant significance. To our knowledge, no occurrence of c.1025G>A in individuals affected with Congenital Heart Defects, Multiple Types, 2 and no experimental evidence demonstrating its impact on protein function have been reported. ClinVar contains an entry for this variant (Variation ID: 1695798). Based on the evidence outlined above, the variant was classified as uncertain significance.

Department of Pathology and Laboratory Medicine, Sinai Health System
Classification: Uncertain significance for Congenital heart defects, multiple types, 2. Last evaluated: 2023-09-07. Review status: criteria provided, single submitter. Criteria: ACMG Guidelines, 2015. Collection method: research. Allele origin: germline.

Revvity Omics, Revvity
Classification: Uncertain significance for Congenital heart defects, multiple types, 2. Last evaluated: 2021-10-04. Review status: criteria provided, single submitter. Criteria: ACMG Guidelines, 2015. Collection method: clinical testing. Allele origin: germline.

NM_001292034.3(TAB2):c.1025G>A (p.Arg342His)

Genes: TAB2 (TGF-beta activated kinase 1 (MAP3K7) binding protein 2; plus strand), LOC126859827 (BRD4-independent group 4 enhancer GRCh37_chr6:149699707-149700906; plus strand). Cytogenetic location: 6q25.1.
Variant type: single nucleotide variant.
Coding change: c.1025G>A on transcript NM_001292034.3 (MANE Select); coding-DNA position 1025, G replaced by A.
Protein change: p.Arg342His; replaces arginine 342 with histidine.
Molecular consequence: missense variant.
Genome position (GRCh38, 1-based): chr6:149,378,940, G>A. VCF-style: chr6-149378940-G-A. GRCh37 (hg19) VCF-style: chr6-149700076-G-A.
Other names: c.929G>A, p.Arg310His (NM_001292035.3); c.1025G>A, p.Arg342His (NM_001369506.1, NM_015093.6); c.1025G>A (NM_015093.5); short protein forms R310H, R342H.
Identifiers: ClinVar variation 1695798 (VCV001695798.14), dbSNP rs750390016, ClinGen allele CA4041474.